The following is an entry in ClinVar:

ClinVar aggregate classification (germline): Uncertain significance (1 of 4 stars; one submission).

Conditions:
Familial melanoma. Also called: Hereditary melanoma; Hereditary cutaneous melanoma. Identifiers: Orphanet 618, MedGen C1512419, MONDO:0018961.

Submission:

Labcorp Genetics (formerly Invitae), Labcorp
Classification: Uncertain significance for Familial melanoma. Last evaluated: 2022-04-01. Review status: criteria provided, single submitter. Criteria: Invitae Variant Classification Sherloc (09022015). Collection method: clinical testing. Allele origin: germline.
Comment: This sequence change replaces arginine, which is basic and polar, with leucine, which is neutral and non-polar, at codon 58 of the CDKN2A (p16INK4a) protein (p.Arg58Leu). This variant is not present in population databases (gnomAD no frequency). This variant has not been reported in the literature in individuals affected with CDKN2A (p16INK4a)-related conditions. Algorithms developed to predict the effect of missense changes on protein structure and function are either unavailable or do not agree on the potential impact of this missense change (SIFT: "Deleterious"; PolyPhen-2: "Benign"; Align-GVGD: "Class C15"). In summary, the available evidence is currently insufficient to determine the role of this variant in disease. Therefore, it has been classified as a Variant of Uncertain Significance.

NM_000077.5(CDKN2A):c.173G>T (p.Arg58Leu)

Gene: CDKN2A (cyclin dependent kinase inhibitor 2A; minus strand). Cytogenetic location: 9p21.3.
Variant type: single nucleotide variant.
Coding change: c.173G>T on transcript NM_000077.5; coding-DNA position 173, G replaced by T.
Protein change: p.Arg58Leu; replaces arginine 58 with leucine.
Molecular consequence: missense variant (on NM_000077.6). On other transcripts: synonymous variant (1), 3 prime UTR variant (1).
Genome position (GRCh38, 1-based): chr9:21,971,186, C>A on the plus strand (G>T on the coding strand, the complement: CDKN2A is on the minus strand). VCF-style: chr9-21971186-C-A. GRCh37 (hg19) VCF-style: chr9-21971185-C-A.
Other names: c.173G>T, p.Arg58Leu (NM_000077.6, NM_001195132.2); c.20G>T, p.Arg7Leu (NM_001363763.2); c.216G>T, p.Pro72= (NM_058195.4); c.*96G>T (NM_058197.5); short protein forms R58L, R7L.
Identifiers: ClinVar variation 2416022 (VCV002416022.4), dbSNP rs2131096441, ClinGen allele CA373086409.